The following is an entry in ClinVar:

NM_000303.3(PMM2):c.137G>A (p.Gly46Glu)

Gene: PMM2 (phosphomannomutase 2; plus strand). Cytogenetic location: 16p13.2.
Variant type: single nucleotide variant.
Coding change: c.137G>A on transcript NM_000303.3 (MANE Select); coding-DNA position 137, G replaced by A.
Protein change: p.Gly46Glu; replaces glycine 46 with glutamic acid.
Molecular consequence: missense variant.
Genome position (GRCh38, 1-based): chr16:8,801,869, G>A. VCF-style: chr16-8801869-G-A. GRCh37 (hg19) VCF-style: chr16-8895726-G-A.
Other names: short protein forms G46E.
Identifiers: ClinVar variation 1475290 (VCV001475290.7), dbSNP rs2141017011, ClinGen allele CA394695266.

ClinVar aggregate classification (germline): Uncertain significance (1 of 4 stars; one submission).

Conditions:
PMM2-congenital disorder of glycosylation. Also called: PMM2-CDG; CDG Ia; JAEKEN SYNDROME; PHOSPHOMANNOMUTASE 2 DEFICIENCY; CARBOHYDRATE-DEFICIENT GLYCOPROTEIN SYNDROME, TYPE Ia; Congenital disorder of glycosylation, type Ia. Identifiers: Orphanet 79318, MedGen C0349653, MONDO:0008907, OMIM 212065.

Allele frequency attached by ClinVar (database versions not stated): gnomAD exomes 0.00001.
gnomAD v4.1: 3 of 1,612,268 alleles (0.00019%); highest among the groups gnomAD compares: Non-Finnish European, 0.00025%; no homozygotes.

Submission:

Labcorp Genetics (formerly Invitae), Labcorp
Classification: Uncertain significance for PMM2-congenital disorder of glycosylation. Last evaluated: 2024-10-17. Review status: criteria provided, single submitter. Criteria: Invitae Variant Classification Sherloc (09022015). Collection method: clinical testing. Allele origin: germline.
Comment: This sequence change replaces glycine, which is neutral and non-polar, with glutamic acid, which is acidic and polar, at codon 46 of the PMM2 protein (p.Gly46Glu). This variant is not present in population databases (gnomAD no frequency). This variant has not been reported in the literature in individuals affected with PMM2-related conditions. ClinVar contains an entry for this variant (Variation ID: 1475290). Invitae Evidence Modeling of protein sequence and biophysical properties (such as structural, functional, and spatial information, amino acid conservation, physicochemical variation, residue mobility, and thermodynamic stability) indicates that this missense variant is not expected to disrupt PMM2 protein function with a negative predictive value of 80%. In summary, the available evidence is currently insufficient to determine the role of this variant in disease. Therefore, it has been classified as a Variant of Uncertain Significance.